The following is an entry in ClinVar:

ClinVar aggregate classification (germline): Uncertain significance (1 of 4 stars; one submission).

Conditions:
Inborn genetic diseases. Identifiers: MedGen C0950123, MeSH D030342.

gnomAD v4.1: 7 of 1,613,140 alleles (0.00043%); highest among the groups gnomAD compares: South Asian, 0.0011%; no homozygotes.

Submission:

Ambry Genetics
Classification: Uncertain significance for Inborn genetic diseases. Last evaluated: 2026-06-02. Review status: criteria provided, single submitter. Criteria: Ambry Variant Classification Scheme 2023. Collection method: clinical testing. Allele origin: germline.
Comment: The p.R474K variant (also known as c.1421G>A), located in coding exon 11 of the CEP57 gene, results from a G to A substitution at nucleotide position 1421. The arginine at codon 474 is replaced by lysine, an amino acid with highly similar properties. This amino acid position is conserved. In addition, this alteration is predicted to be tolerated by in silico analysis. Based on the available evidence, the clinical significance of this variant remains unclear.

NM_014679.5(CEP57):c.1421G>A (p.Arg474Lys)

Gene: CEP57 (centrosomal protein 57; plus strand). Cytogenetic location: 11q21.
Variant type: single nucleotide variant.
Coding change: c.1421G>A on transcript NM_014679.5 (MANE Select); coding-DNA position 1421, G replaced by A.
Protein change: p.Arg474Lys; replaces arginine 474 with lysine.
Molecular consequence: missense variant.
Genome position (GRCh38, 1-based): chr11:95,831,174, G>A. VCF-style: chr11-95831174-G-A. GRCh37 (hg19) VCF-style: chr11-95564338-G-A.
Other names: c.1394G>A, p.Arg465Lys (NM_001243776.2); c.1343G>A, p.Arg448Lys (NM_001243777.2); c.1340G>A, p.Arg447Lys (NM_001363604.2, NM_001440869.1, NM_001440870.1); c.1160G>A, p.Arg387Lys (NM_001440880.1); c.1124G>A, p.Arg375Lys (NM_001440881.1); c.1118G>A, p.Arg373Lys (NM_001440882.1); c.1313G>A, p.Arg438Lys (NM_001440871.1); c.1304G>A, p.Arg435Lys (NM_001440872.1); and 6 more; short protein forms R373K, R375K, R387K, R399K, R408K, R409K, R411K, R412K.
Identifiers: ClinVar variation 4868782 (VCV004868782.1).
Genomic context (GRCh38, chr11:95,831,174, plus strand): 5'-CTGGAATCACAGGGACCACAAATAAGAAAGATTTTATGAAACTGAGACCTGGAGAAAAAA[G>A]GAGAAAAAATCTTCAGTTATTGAAGGACATGCAAAGCATACAGAATTCATTACAAAGCAG-3'
Protein context (NP_055494.2, residues 464-484): DFMKLRPGEK[Arg474Lys]RKNLQLLKDM